The following is an entry in ClinVar:

NM_181882.3(PRX):c.1887G>T (p.Met629Ile)

Gene: PRX (periaxin; minus strand). Cytogenetic location: 19q13.2.
Variant type: single nucleotide variant.
Coding change: c.1887G>T on transcript NM_181882.3 (MANE Select); coding-DNA position 1887, G replaced by T.
Protein change: p.Met629Ile; replaces methionine 629 with isoleucine.
Molecular consequence: missense variant. On other transcripts: 3 prime UTR variant (1).
Genome position (GRCh38, 1-based): chr19:40,396,465, C>A on the plus strand (G>T on the coding strand, the complement: PRX is on the minus strand). VCF-style: chr19-40396465-C-A. GRCh37 (hg19) VCF-style: chr19-40902372-C-A.
Other names: c.2172G>T, p.Met724Ile (NM_001411127.1); c.*2092G>T (NM_020956.2); short protein forms M629I, M724I.
Identifiers: ClinVar variation 2129957 (VCV002129957.4), dbSNP rs776187375, ClinGen allele CA308420042.

ClinVar aggregate classification (germline): Uncertain significance (1 of 4 stars; one submission).

Conditions:
Charcot-Marie-Tooth disease type 4. Also called: Charcot-Marie-Tooth, Type 4; Charcot-Marie-Tooth disease, type IV. Identifiers: Orphanet 64749, MedGen C4082197, MONDO:0018995.

Allele frequency attached by ClinVar (database versions not stated): gnomAD exomes 0.00001.
gnomAD v4.1: 13 of 1,611,702 alleles (0.00081%); highest among the groups gnomAD compares: Non-Finnish European, 0.0011%; no homozygotes.

Submission:

Labcorp Genetics (formerly Invitae), Labcorp
Classification: Uncertain significance for Charcot-Marie-Tooth disease type 4. Last evaluated: 2022-04-24. Review status: criteria provided, single submitter. Criteria: Invitae Variant Classification Sherloc (09022015). Collection method: clinical testing. Allele origin: germline.
Comment: In summary, the available evidence is currently insufficient to determine the role of this variant in disease. Therefore, it has been classified as a Variant of Uncertain Significance. Algorithms developed to predict the effect of missense changes on protein structure and function (SIFT, PolyPhen-2, Align-GVGD) all suggest that this variant is likely to be tolerated. This variant has not been reported in the literature in individuals affected with PRX-related conditions. This variant is present in population databases (rs776187375, gnomAD 0.0009%). This sequence change replaces methionine, which is neutral and non-polar, with isoleucine, which is neutral and non-polar, at codon 629 of the PRX protein (p.Met629Ile).